The following is an entry in ClinVar:

NM_007175.8(ERLIN2):c.303T>A (p.Tyr101Ter)

Gene: ERLIN2 (ER lipid raft associated 2; plus strand). Cytogenetic location: 8p11.23.
Variant type: single nucleotide variant.
Coding change: c.303T>A on transcript NM_007175.8 (MANE Select); coding-DNA position 303, T replaced by A.
Protein change: p.Tyr101Ter; replaces tyrosine 101 with a stop codon.
Molecular consequence: nonsense.
Genome position (GRCh38, 1-based): chr8:37,744,575, T>A. VCF-style: chr8-37744575-T-A. GRCh37 (hg19) VCF-style: chr8-37602093-T-A.
Other names: c.303T>A, p.Tyr101Ter (NM_001003790.4, NM_001003791.3, NM_001362878.2 and 1 more transcripts); short protein forms Y101*.
Identifiers: ClinVar variation 834707 (VCV000834707.6), dbSNP rs1052410160, ClinGen allele CA370652117.
Genomic context (GRCh38, chr8:37,744,575, plus strand): 5'-TGAGGGCATTTTGAGTCTTGCCTTTTCTTATGCCAAGCCCTCTCCTTCCCTCTCAGTGTA[T>A]GATATAGTGAAGAACTATACTGCTGACTATGACAAGGCCCTCATCTTCAACAAGATCCAC-3'

ClinVar aggregate classification (germline): Pathogenic (1 of 4 stars; one submission).

Conditions:
Spastic paraplegia. Identifiers: MedGen C0037772, HP:0001258.

Submission:

Labcorp Genetics (formerly Invitae), Labcorp
Classification: Pathogenic for Spastic paraplegia. Last evaluated: 2021-03-09. Review status: criteria provided, single submitter. Criteria: Invitae Variant Classification Sherloc (09022015). Collection method: clinical testing. Allele origin: germline.
Comment: For these reasons, this variant has been classified as Pathogenic. Loss-of-function variants in ERLIN2 are known to be pathogenic (PMID: 21330303, 23109145, 24482476, 27824013). This variant has not been reported in the literature in individuals with ERLIN2-related conditions. This variant is not present in population databases (ExAC no frequency). This sequence change creates a premature translational stop signal (p.Tyr101*) in the ERLIN2 gene. It is expected to result in an absent or disrupted protein product.

Literature cited by the submitters: PubMed 21330303; PubMed 23109145; PubMed 24482476; PubMed 27824013.